The following is an entry in ClinVar:

ClinVar aggregate classification (germline): Uncertain significance. Review status: criteria provided, multiple submitters, no conflicts (2 of 4 stars). 2 submissions from 2 submitters: Uncertain significance (2). Last evaluated 2026-07-09.

Conditions:
COL6A3-related disorder. Also called: COL6A3-related disorders; COL6A3-related condition.
Bethlem myopathy 1A. Also called: MYOPATHY, BENIGN CONGENITAL, WITH CONTRACTURES; Bethlem myopathy 1; Bethlem Muscular Dystrophy. Identifiers: Orphanet 610, MedGen CN029274, MONDO:0024530, OMIM 158810.

Allele frequency attached by ClinVar (database versions not stated): TOPMed below 0.00001.

Submissions (2):

PreventionGenetics, part of Exact Sciences
Classification: Uncertain significance for COL6A3-related condition. Last evaluated: 2026-07-09. Review status: criteria provided, single submitter. Criteria: ACMG Guidelines, 2015. Collection method: clinical testing. Allele origin: germline.
Comment: The COL6A3 c.3530C>T variant is predicted to result in the amino acid substitution p.Thr1177Ile. To our knowledge, this variant has not been reported in the literature or in a large population database (gnomAD), indicating this variant is rare. At this time, the clinical significance of this variant is uncertain due to the absence of conclusive functional and genetic evidence.

Labcorp Genetics (formerly Invitae), Labcorp
Classification: Uncertain significance for Bethlem myopathy 1A. Last evaluated: 2024-06-26. Review status: criteria provided, single submitter. Criteria: Invitae Variant Classification Sherloc (09022015). Collection method: clinical testing. Allele origin: germline.
Comment: This sequence change replaces threonine, which is neutral and polar, with isoleucine, which is neutral and non-polar, at codon 1177 of the COL6A3 protein (p.Thr1177Ile). This variant is not present in population databases (gnomAD no frequency). This variant has not been reported in the literature in individuals affected with COL6A3-related conditions. ClinVar contains an entry for this variant (Variation ID: 1377067). Advanced modeling of protein sequence and biophysical properties (such as structural, functional, and spatial information, amino acid conservation, physicochemical variation, residue mobility, and thermodynamic stability) performed at Invitae indicates that this missense variant is not expected to disrupt COL6A3 protein function with a negative predictive value of 80%. In summary, the available evidence is currently insufficient to determine the role of this variant in disease. Therefore, it has been classified as a Variant of Uncertain Significance.

NM_004369.4(COL6A3):c.3530C>T (p.Thr1177Ile)

Gene: COL6A3 (collagen type VI alpha 3 chain; minus strand). Cytogenetic location: 2q37.3.
Variant type: single nucleotide variant.
Coding change: c.3530C>T on transcript NM_004369.4 (MANE Select); coding-DNA position 3530, C replaced by T.
Protein change: p.Thr1177Ile; replaces threonine 1177 with isoleucine.
Molecular consequence: missense variant.
Genome position (GRCh38, 1-based): chr2:237,374,561, G>A on the plus strand (C>T on the coding strand, the complement: COL6A3 is on the minus strand). VCF-style: chr2-237374561-G-A. GRCh37 (hg19) VCF-style: chr2-238283204-G-A.
Other names: c.2309C>T, p.Thr770Ile (NM_057164.5); c.2912C>T, p.Thr971Ile (NM_057165.5, NM_057167.4); c.1709C>T, p.Thr570Ile (NM_057166.5); c.3530C>T (NM_004369.3); short protein forms T1177I, T570I, T971I, T770I.
Identifiers: ClinVar variation 1377067 (VCV001377067.7), dbSNP rs2077780771, ClinGen allele CA351202256.